The following is an entry in ClinVar:

ClinVar aggregate classification (germline): Likely pathogenic (1 of 4 stars; one submission).

Submission:

Labcorp Genetics (formerly Invitae), Labcorp
Classification: Likely pathogenic. Last evaluated: 2023-08-16. Review status: criteria provided, single submitter. Criteria: Invitae Variant Classification Sherloc (09022015). Collection method: clinical testing. Allele origin: germline.
Comment: In summary, the currently available evidence indicates that the variant is pathogenic, but additional data are needed to prove that conclusively. Therefore, this variant has been classified as Likely Pathogenic. Algorithms developed to predict the effect of sequence changes on RNA splicing suggest that this variant may disrupt the consensus splice site. This variant has not been reported in the literature in individuals affected with BMP1-related conditions. This variant is not present in population databases (gnomAD no frequency). This sequence change affects a donor splice site in intron 2 of the BMP1 gene. It is expected to disrupt RNA splicing. Variants that disrupt the donor or acceptor splice site typically lead to a loss of protein function (PMID: 16199547), and loss-of-function variants in BMP1 are known to be pathogenic (PMID: 25656619, 27576954, 28257626).

Literature cited by the submitters: PubMed 16199547; PubMed 25656619; PubMed 27576954; PubMed 28257626.

NM_006129.5(BMP1):c.262+2T>C

Gene: BMP1 (bone morphogenetic protein 1; plus strand). Cytogenetic location: 8p21.3.
Variant type: single nucleotide variant.
Coding change: c.262+2T>C on transcript NM_006129.5 (MANE Select); the canonical splice donor site of the intron after coding-DNA position 262, T replaced by C.
Molecular consequence: splice donor variant.
Genome position (GRCh38, 1-based): chr8:22,173,717, T>C. VCF-style: chr8-22173717-T-C. GRCh37 (hg19) VCF-style: chr8-22031230-T-C.
Other names: c.262+2T>C (NM_001199.4).
Identifiers: ClinVar variation 2752731 (VCV002752731.3), dbSNP rs2538972306, ClinGen allele CA370540935.